The following is an entry in ClinVar:

ClinVar aggregate classification (germline): Uncertain significance (1 of 4 stars; one submission).

Allele frequency attached by ClinVar (database versions not stated): gnomAD 0.00005; gnomAD exomes 0.00005 and 0.00010; ExAC 0.00006; TOPMed 0.00006; ESP Exome Variant Server 0.00015.
gnomAD v4.1: 158 of 1,614,128 alleles (0.0098%); highest among the groups gnomAD compares: Non-Finnish European, 0.012%; no homozygotes.

Submission:

Labcorp Genetics (formerly Invitae), Labcorp
Classification: Uncertain significance. Last evaluated: 2024-12-02. Review status: criteria provided, single submitter. Criteria: Invitae Variant Classification Sherloc (09022015). Collection method: clinical testing. Allele origin: germline.
Comment: This sequence change replaces lysine, which is basic and polar, with methionine, which is neutral and non-polar, at codon 409 of the MCM4 protein (p.Lys409Met). This variant is present in population databases (rs148895730, gnomAD 0.01%). This variant has not been reported in the literature in individuals affected with MCM4-related conditions. ClinVar contains an entry for this variant (Variation ID: 1431001). Invitae Evidence Modeling of protein sequence and biophysical properties (such as structural, functional, and spatial information, amino acid conservation, physicochemical variation, residue mobility, and thermodynamic stability) indicates that this missense variant is not expected to disrupt MCM4 protein function with a negative predictive value of 80%. In summary, the available evidence is currently insufficient to determine the role of this variant in disease. Therefore, it has been classified as a Variant of Uncertain Significance.

NM_182746.3(MCM4):c.1226A>T (p.Lys409Met)

Gene: MCM4 (minichromosome maintenance complex component 4; plus strand). Cytogenetic location: 8q11.21.
Variant type: single nucleotide variant.
Coding change: c.1226A>T on transcript NM_182746.3 (MANE Select); coding-DNA position 1226, A replaced by T.
Protein change: p.Lys409Met; replaces lysine 409 with methionine.
Molecular consequence: missense variant.
Genome position (GRCh38, 1-based): chr8:47,969,849, A>T. VCF-style: chr8-47969849-A-T. GRCh37 (hg19) VCF-style: chr8-48882409-A-T.
Other names: c.1226A>T, p.Lys409Met (NM_005914.4); short protein forms K409M.
Identifiers: ClinVar variation 1431001 (VCV001431001.5), dbSNP rs148895730, ClinGen allele CA4742568.